The following is an entry in ClinVar:

NM_182925.5(FLT4):c.508C>T (p.Arg170Cys)

Gene: FLT4 (fms related receptor tyrosine kinase 4; minus strand). Cytogenetic location: 5q35.3.
Variant type: single nucleotide variant.
Coding change: c.508C>T on transcript NM_182925.5 (MANE Select); coding-DNA position 508, C replaced by T.
Protein change: p.Arg170Cys; replaces arginine 170 with cysteine.
Molecular consequence: missense variant.
Genome position (GRCh38, 1-based): chr5:180,630,230, G>A on the plus strand (C>T on the coding strand, the complement: FLT4 is on the minus strand). VCF-style: chr5-180630230-G-A. GRCh37 (hg19) VCF-style: chr5-180057230-G-A.
Other names: c.508C>T, p.Arg170Cys (NM_001354989.2, NM_002020.5); short protein forms R170C.
Identifiers: ClinVar variation 3769917 (VCV003769917.1).

ClinVar aggregate classification (germline): Uncertain significance (1 of 4 stars; one submission).

gnomAD v4.1: 3 of 1,612,024 alleles (0.00019%); highest among the groups gnomAD compares: Non-Finnish European, 0.00017%; no homozygotes.

Submission:

GeneDx
Classification: Uncertain significance. Last evaluated: 2024-09-17. Review status: criteria provided, single submitter. Criteria: GeneDx Variant Classification Process June 2021. Collection method: clinical testing. Allele origin: germline. Affected: yes.
Comment: Not observed at significant frequency in large population cohorts (gnomAD); In silico analysis supports that this missense variant has a deleterious effect on protein structure/function; Has not been previously published as pathogenic or benign to our knowledge